The following is an entry in ClinVar:

NM_016123.4(IRAK4):c.38G>A (p.Cys13Tyr)

Gene: IRAK4 (interleukin 1 receptor associated kinase 4; plus strand). Cytogenetic location: 12q12.
Variant type: single nucleotide variant.
Coding change: c.38G>A on transcript NM_016123.4 (MANE Select); coding-DNA position 38, G replaced by A.
Protein change: p.Cys13Tyr; replaces cysteine 13 with tyrosine.
Molecular consequence: missense variant. On other transcripts: 5 prime UTR variant (8), intron variant (2).
Genome position (GRCh38, 1-based): chr12:43,768,149, G>A. VCF-style: chr12-43768149-G-A. GRCh37 (hg19) VCF-style: chr12-44161952-G-A.
Other names: c.38G>A, p.Cys13Tyr (NM_001114182.3, NM_001351345.2); c.-189G>A (NM_001145256.2, NM_001145257.2, NM_001351338.2); c.-402G>A (NM_001351339.2, NM_001351340.2, NM_001351341.2); c.-340G>A (NM_001351343.2, NM_001351344.2); c.-278-2889G>A (NM_001351342.2); c.-65-4031G>A (NM_001145258.2); short protein forms C13Y.
Identifiers: ClinVar variation 960942 (VCV000960942.10), dbSNP rs1163230363, ClinGen allele CA384464404.

ClinVar aggregate classification (germline): Uncertain significance (1 of 4 stars; one submission).

Conditions:
Immunodeficiency 67. Also called: Immunodeficiency due to interleukin-1 receptor-associated kinase-4 deficiency. Identifiers: Orphanet 70592, MedGen C1843256, MONDO:0011888, OMIM 607676.

gnomAD v4.1: 1 of 1,613,690 alleles (0.000062%); highest among the groups gnomAD compares: Non-Finnish European, 0.000085%; no homozygotes.

Submission:

Labcorp Genetics (formerly Invitae), Labcorp
Classification: Uncertain significance for Immunodeficiency 67. Last evaluated: 2024-12-09. Review status: criteria provided, single submitter. Criteria: Invitae Variant Classification Sherloc (09022015). Collection method: clinical testing. Allele origin: germline.
Comment: This sequence change replaces cysteine, which is neutral and slightly polar, with tyrosine, which is neutral and polar, at codon 13 of the IRAK4 protein (p.Cys13Tyr). This variant is not present in population databases (gnomAD no frequency). This variant has not been reported in the literature in individuals affected with IRAK4-related conditions. ClinVar contains an entry for this variant (Variation ID: 960942). Invitae Evidence Modeling of protein sequence and biophysical properties (such as structural, functional, and spatial information, amino acid conservation, physicochemical variation, residue mobility, and thermodynamic stability) indicates that this missense variant is not expected to disrupt IRAK4 protein function with a negative predictive value of 80%. In summary, the available evidence is currently insufficient to determine the role of this variant in disease. Therefore, it has been classified as a Variant of Uncertain Significance.